The following is an entry in ClinVar:

ClinVar aggregate classification (germline): Uncertain significance. Review status: criteria provided, multiple submitters, no conflicts (2 of 4 stars). 3 submissions from 3 submitters: Uncertain significance (3). Last evaluated 2024-11-08.

Conditions:
Hereditary nonpolyposis colorectal neoplasms. Identifiers: MedGen C0009405, MeSH D003123.
Hereditary cancer-predisposing syndrome. Also called: Neoplastic Syndromes, Hereditary; Tumor predisposition; Hereditary Cancer Syndrome; Hereditary neoplastic syndrome. Identifiers: Orphanet 140162, MedGen C0027672, MeSH D009386, MONDO:0015356.

Submissions (3):

Ambry Genetics
Classification: Uncertain significance for Hereditary cancer-predisposing syndrome. Last evaluated: 2024-11-08. Review status: criteria provided, single submitter. Criteria: Ambry Variant Classification Scheme 2023. Collection method: clinical testing. Allele origin: germline.
Comment: The p.N1307K variant (also known as c.3921T>G), located in coding exon 9 of the MSH6 gene, results from a T to G substitution at nucleotide position 3921. The asparagine at codon 1307 is replaced by lysine, an amino acid with similar properties. This amino acid position is not well conserved in available vertebrate species. In addition, this alteration is predicted to be tolerated by in silico analysis. Based on the available evidence, the clinical significance of this variant remains unclear.

Labcorp Genetics (formerly Invitae), Labcorp
Classification: Uncertain significance for Hereditary nonpolyposis colorectal neoplasms. Last evaluated: 2023-12-30. Review status: criteria provided, single submitter. Criteria: Invitae Variant Classification Sherloc (09022015). Collection method: clinical testing. Allele origin: germline.
Comment: This sequence change replaces asparagine, which is neutral and polar, with lysine, which is basic and polar, at codon 1307 of the MSH6 protein (p.Asn1307Lys). This variant is not present in population databases (gnomAD no frequency). This variant has not been reported in the literature in individuals affected with MSH6-related conditions. ClinVar contains an entry for this variant (Variation ID: 525638). Advanced modeling of protein sequence and biophysical properties (such as structural, functional, and spatial information, amino acid conservation, physicochemical variation, residue mobility, and thermodynamic stability) performed at Invitae indicates that this missense variant is not expected to disrupt MSH6 protein function with a negative predictive value of 95%. In summary, the available evidence is currently insufficient to determine the role of this variant in disease. Therefore, it has been classified as a Variant of Uncertain Significance.

Institute for Clinical Genetics, University Hospital TU Dresden, University Hospital TU Dresden
Classification: Uncertain significance. Last evaluated: 2021-11-03. Review status: criteria provided, single submitter. Criteria: ACMG Guidelines, 2015. Collection method: clinical testing. Allele origin: germline.

NM_000179.3(MSH6):c.3921T>G (p.Asn1307Lys)

Gene: MSH6 (mutS homolog 6; plus strand). Cytogenetic location: 2p16.3.
Variant type: single nucleotide variant.
Coding change: c.3921T>G on transcript NM_000179.3 (MANE Select); coding-DNA position 3921, T replaced by G.
Protein change: p.Asn1307Lys; replaces asparagine 1307 with lysine.
Molecular consequence: missense variant.
Genome position (GRCh38, 1-based): chr2:47,806,571, T>G. VCF-style: chr2-47806571-T-G. GRCh37 (hg19) VCF-style: chr2-48033710-T-G.
Other names: c.3531T>G, p.Asn1177Lys (NM_001281492.2); c.3015T>G, p.Asn1005Lys (NM_001281493.2, NM_001281494.2); short protein forms N1307K, N1005K, N1177K.
Identifiers: ClinVar variation 525638 (VCV000525638.15), dbSNP rs876659660, ClinGen allele CA346761460.
Genomic context (GRCh38, chr2:47,806,571, plus strand): 5'-TAAATTCATTAAGGGAGCTTGTCCTAAAAGCTATGGCTTTAATGCAGCAAGGCTTGCTAA[T>G]CTCCCAGAGGAAGTTATTCAAAAGGGACATAGAAAAGCAAGAGAATTTGAGAAGATGAAT-3'
Protein context (NP_000170.1, residues 1297-1317): SYGFNAARLA[Asn1307Lys]LPEEVIQKGH